The following is an entry in ClinVar:

ClinVar aggregate classification (germline): Uncertain significance. Review status: criteria provided, single submitter (1 of 4 stars). 2 submissions from 2 submitters: Uncertain significance (1). 1 of the submissions does not count toward it. Last evaluated 2022-09-10.

Conditions:
KCNQ3-related disorder. Also called: KCNQ3-related condition; KCNQ3-Related Disorders. Identifiers: MedGen CN381530.
Benign neonatal seizures. Also called: Benign familial neonatal seizures; Convulsions benign familial neonatal dominant form; Autosomal dominant form of benign neonatal seizures; Benign familial neonatal epilepsy; Benign neonatal familial convulsions. Identifiers: Orphanet 1949, MedGen C0220669, MONDO:0016027.

Allele frequency attached by ClinVar (database versions not stated): gnomAD 0.00001.

Submissions (2):

Labcorp Genetics (formerly Invitae), Labcorp
Classification: Uncertain significance for Benign neonatal seizures. Last evaluated: 2022-09-10. Review status: criteria provided, single submitter. Criteria: Invitae Variant Classification Sherloc (09022015). Collection method: clinical testing. Allele origin: germline.
Comment: This sequence change replaces glycine, which is neutral and non-polar, with cysteine, which is neutral and slightly polar, at codon 120 of the KCNQ3 protein (p.Gly120Cys). This variant is not present in population databases (gnomAD no frequency). This variant has not been reported in the literature in individuals affected with KCNQ3-related conditions. ClinVar contains an entry for this variant (Variation ID: 961761). Advanced modeling of protein sequence and biophysical properties (such as structural, functional, and spatial information, amino acid conservation, physicochemical variation, residue mobility, and thermodynamic stability) has been performed at Invitae for this missense variant, however the output from this modeling did not meet the statistical confidence thresholds required to predict the impact of this variant on KCNQ3 protein function. In summary, the available evidence is currently insufficient to determine the role of this variant in disease. Therefore, it has been classified as a Variant of Uncertain Significance.

PreventionGenetics, part of Exact Sciences
Classification: Uncertain significance for KCNQ3-related condition. Last evaluated: 2024-09-05. Review status: no assertion criteria provided. Collection method: clinical testing. Allele origin: germline. Not counted in ClinVar's aggregate classification.
Comment: The KCNQ3 c.358G>T variant is predicted to result in the amino acid substitution p.Gly120Cys. To our knowledge, this variant has not been reported in the literature or in a large population database, indicating this variant is rare. At this time, the clinical significance of this variant is uncertain due to the absence of conclusive functional and genetic evidence.

NM_004519.4(KCNQ3):c.358G>T (p.Gly120Cys)

Gene: KCNQ3 (potassium voltage-gated channel subfamily Q member 3; minus strand). Cytogenetic location: 8q24.22.
Variant type: single nucleotide variant.
Coding change: c.358G>T on transcript NM_004519.4 (MANE Select); coding-DNA position 358, G replaced by T.
Protein change: p.Gly120Cys; replaces glycine 120 with cysteine.
Molecular consequence: missense variant.
Genome position (GRCh38, 1-based): chr8:132,480,175, C>A on the plus strand (G>T on the coding strand, the complement: KCNQ3 is on the minus strand). VCF-style: chr8-132480175-C-A. GRCh37 (hg19) VCF-style: chr8-133492422-C-A.
Other names: short protein forms G120C.
Identifiers: ClinVar variation 961761 (VCV000961761.10), dbSNP rs1822515624, ClinGen allele CA372292375.